The following is an entry in ClinVar:

NM_001099857.5(IKBKG):c.761G>A (p.Arg254Gln)

Gene: IKBKG (inhibitor of nuclear factor kappa B kinase regulatory subunit gamma; plus strand). Cytogenetic location: Xq28.
Variant type: single nucleotide variant.
Coding change: c.761G>A on transcript NM_001099857.5 (MANE Select); coding-DNA position 761, G replaced by A.
Protein change: p.Arg254Gln; replaces arginine 254 with glutamine.
Molecular consequence: missense variant. On other transcripts: non-coding transcript variant (1), intron variant (1).
Genome position (GRCh38, 1-based): chrX:154,561,777, G>A. VCF-style: chrX-154561777-G-A. GRCh37 (hg19) VCF-style: chrX-153789992-G-A.
Other names: c.965G>A, p.Arg322Gln (NM_001099856.6); c.608G>A, p.Arg203Gln (NM_001145255.4); c.761G>A, p.Arg254Gln (NM_001321396.3, NM_001377312.1, NM_003639.4); c.758G>A, p.Arg253Gln (NM_001321397.3, NM_001377313.1); c.605G>A, p.Arg202Gln (NM_001377314.1); c.400-1033G>A (NM_001377315.1); short protein forms R254Q, R203Q, R253Q, R322Q, R202Q.
Identifiers: ClinVar variation 427148 (VCV000427148.5), dbSNP rs1085307986, ClinGen allele CA415215784.

ClinVar aggregate classification (germline): Likely benign (1 of 4 stars; one submission).

Submission:

GeneDx
Classification: Likely benign. Last evaluated: 2024-03-27. Review status: criteria provided, single submitter. Criteria: GeneDx Variant Classification Process June 2021. Collection method: clinical testing. Allele origin: germline. Affected: yes.
Comment: See Variant Classification Assertion Criteria.